The following is an entry in ClinVar:

NM_000264.5(PTCH1):c.67G>A (p.Ala23Thr)

Genes: PTCH1 (patched 1; minus strand), LOC130002133 (ATAC-STARR-seq lymphoblastoid silent region 20071; plus strand). Cytogenetic location: 9q22.32.
Variant type: single nucleotide variant.
Coding change: c.67G>A on transcript NM_000264.5 (MANE Select); coding-DNA position 67, G replaced by A.
Protein change: p.Ala23Thr; replaces alanine 23 with threonine.
Molecular consequence: missense variant. On other transcripts: non-coding transcript variant (1), intron variant (3).
Genome position (GRCh38, 1-based): chr9:95,508,295, C>T on the plus strand (G>A on the coding strand, the complement: PTCH1 is on the minus strand). VCF-style: chr9-95508295-C-T. GRCh37 (hg19) VCF-style: chr9-98270577-C-T.
Other names: c.67G>A, p.Ala23Thr (NM_001354918.2); c.199-1696G>A (NM_001083603.3); c.4-1696G>A (NM_001083602.3, NM_001354919.2); c.67G>A (NM_000264.4); short protein forms A23T.
Identifiers: ClinVar variation 216393 (VCV000216393.22), dbSNP rs863224654, ClinGen allele CA338400.

ClinVar aggregate classification (germline): Uncertain significance. Review status: criteria provided, multiple submitters, no conflicts (2 of 4 stars). 6 submissions from 6 submitters: Uncertain significance (6). Last evaluated 2025-12-01.

Conditions:
Basal cell nevus syndrome 1 (BCNS1). Also called: GORLIN-GOLTZ SYNDROME; MULTIPLE BASAL CELL NEVI, ODONTOGENIC KERATOCYSTS, AND SKELETAL ANOMALIES. Identifiers: MedGen CN376810, MONDO:0958174, OMIM 109400.
Holoprosencephaly 7 (HPE7). Identifiers: Orphanet 2162, MedGen C1835820, MONDO:0012562, OMIM 610828.
Basal cell carcinoma, susceptibility to, 1. Also called: BCC1. Identifiers: MedGen C2751544, MONDO:0011556, OMIM 605462.
Hereditary cancer-predisposing syndrome. Also called: Hereditary Cancer Syndrome; Tumor predisposition; Hereditary neoplastic syndrome; Neoplastic Syndromes, Hereditary. Identifiers: Orphanet 140162, MedGen C0027672, MeSH D009386, MONDO:0015356.
Gorlin syndrome. Also called: Basal cell nevus syndrome; Nevoid Basal Cell Carcinoma Syndrome. Identifiers: Orphanet 377, MedGen C0004779, MONDO:0007187.

Allele frequency attached by ClinVar (database versions not stated): gnomAD exomes below 0.00001; gnomAD 0.00002; TOPMed 0.00002; 1000 Genomes Project 30x 0.00031.
gnomAD v4.1: 7 of 1,516,390 alleles (0.00046%); highest among the groups gnomAD compares: Admixed American, 0.0082%; no homozygotes.

Submissions (6):

Labcorp Genetics (formerly Invitae), Labcorp
Classification: Uncertain significance for Gorlin syndrome. Last evaluated: 2025-12-01. Review status: criteria provided, single submitter. Criteria: Invitae Variant Classification Sherloc (09022015). Collection method: clinical testing. Allele origin: germline.
Comment: This sequence change replaces alanine, which is neutral and non-polar, with threonine, which is neutral and polar, at codon 23 of the PTCH1 protein (p.Ala23Thr). This variant is not present in population databases (gnomAD no frequency). This variant has not been reported in the literature in individuals affected with PTCH1-related conditions. ClinVar contains an entry for this variant (Variation ID: 216393). Invitae Evidence Modeling of protein sequence and biophysical properties (such as structural, functional, and spatial information, amino acid conservation, physicochemical variation, residue mobility, and thermodynamic stability) indicates that this missense variant is not expected to disrupt PTCH1 protein function with a negative predictive value of 95%. In summary, the available evidence is currently insufficient to determine the role of this variant in disease. Therefore, it has been classified as a Variant of Uncertain Significance.

Ambry Genetics
Classification: Uncertain significance for Hereditary cancer-predisposing syndrome. Last evaluated: 2025-08-11. Review status: criteria provided, single submitter. Criteria: Ambry Variant Classification Scheme 2023. Collection method: clinical testing. Allele origin: germline.

Dasa
Classification: Uncertain significance. Last evaluated: 2025-04-14. Review status: criteria provided, single submitter. Criteria: DASA Assertion Criteria. Collection method: clinical testing. Allele origin: germline.
Comment: NM_000264.5(PTCH1):c.67G>A (p.Ala23Thr) is a missense variant that results in the substitution of alanine with threonine. This variant is rare in population databases. Computational prediction algorithms are consistent with a benign effect. The currently available literature and clinical evidence are not sufficient to establish a definitive association between this variant and the reported condition. Therefore, this variant is classified as a variant of uncertain significance.

Fulgent Genetics
Classification: Uncertain significance for Basal cell nevus syndrome 1; Basal cell carcinoma, susceptibility to, 1; Holoprosencephaly 7. Last evaluated: 2024-05-08. Review status: criteria provided, single submitter. Criteria: ACMG Guidelines, 2015. Collection method: clinical testing. Allele origin: germline.

Quest Diagnostics Nichols Institute San Juan Capistrano
Classification: Uncertain significance. Last evaluated: 2024-03-15. Review status: criteria provided, single submitter. Criteria: Quest Diagnostics criteria. Collection method: clinical testing. Allele origin: unknown.
Comment: The PTCH1 c.67G>A (p.Ala23Thr) variant has not been reported in individuals with PTCH1-related conditions in the published literature. The frequency of this variant in the general population, 0.0002 (3/15234 chromosomes in Admixed American subpopulation (Genome Aggregation Database)), is higher than would generally be expected for pathogenic variants in this gene. Analysis of this variant using bioinformatics tools for the prediction of the effect of amino acid changes on protein structure and function yielded predictions that this variant is benign. Based on the available information, we are unable to determine the clinical significance of this variant.

Baylor Genetics
Classification: Uncertain significance for Basal cell carcinoma, susceptibility to, 1. Last evaluated: 2023-06-23. Review status: criteria provided, single submitter. Criteria: ACMG Guidelines, 2015. Collection method: clinical testing. Allele origin: unknown.

Literature cited by the submitters: PubMed 24728327 (cited by Quest Diagnostics Nichols Institute San Juan Capistrano).